The following is an entry in ClinVar:

NM_201384.3(PLEC):c.2069_2073del (p.Arg690fs)

Gene: PLEC (plectin; minus strand). Cytogenetic location: 8q24.3.
Variant type: Microsatellite.
Coding change: c.2069_2073del on transcript NM_201384.3 (MANE Select); coding-DNA positions 2069 to 2073, 5 bases deleted (GGCCC; older notation c.2069_2073delGGCCC).
Protein change: p.Arg690fs; shifts the reading frame from arginine 690.
Molecular consequence: frameshift variant.
Genome position (GRCh38, 1-based): chr8:143,932,139-143,932,143, GGGCC deleted on the plus strand (GGCCC on the coding strand, the reverse complement: PLEC is on the minus strand); deleting any 5 consecutive bases within chr8:143,932,139-143,932,151 gives the same sequence; the c. name uses the placement nearest the transcript's 3' end. VCF-style (leftmost placement, unchanged base first): chr8-143932138-TGGGCC-T. GRCh37 (hg19) VCF-style: chr8-145006306-TGGGCC-T.
Other names: c.2150_2154del, p.Arg717fs (NM_000445.5, NM_001410941.1); c.2027_2031del, p.Arg676fs (NM_201378.4); c.2003_2007del, p.Arg668fs (NM_201379.3); c.2480_2484del, p.Arg827fs (NM_201380.4); c.1973_1977del, p.Arg658fs (NM_201381.3); c.2069_2073del, p.Arg690fs (NM_201382.4); c.2081_2085del, p.Arg694fs (NM_201383.3); short protein forms R676fs, R668fs, R717fs, R658fs, R827fs, R690fs, R694fs.
Identifiers: ClinVar variation 2941131 (VCV002941131.3), dbSNP rs2538776350, ClinGen allele CA2740095379.

ClinVar aggregate classification (germline): Pathogenic (1 of 4 stars; one submission).

Conditions:
Epidermolysis bullosa simplex with nail dystrophy (EBS5D). Identifiers: MedGen C4225309, MONDO:0014661, OMIM 616487.
Epidermolysis bullosa simplex, Ogna type (EBS5A). Also called: Pidermolysis bullosa simplex 5A, Ogna type; EPIDERMOLYSIS BULLOSA SIMPLEX 5A, OGNA TYPE. Identifiers: Orphanet 79401, MedGen C0432317, MONDO:0007555, OMIM 131950.
Autosomal recessive limb-girdle muscular dystrophy type 2Q (LGMDR17). Also called: MUSCULAR DYSTROPHY, LIMB-GIRDLE, AUTOSOMAL RECESSIVE 17. Identifiers: Orphanet 254361, MedGen C3150989, MONDO:0013390, OMIM 613723.
Epidermolysis bullosa simplex 5B, with muscular dystrophy (EBS5B). Also called: EPIDERMOLYSIS BULLOSA SIMPLEX AND LIMB-GIRDLE MUSCULAR DYSTROPHY; Epidermolysis bullosa simplex with muscular dystrophy. Identifiers: Orphanet 257, MedGen C2931072, MONDO:0009181, OMIM 226670.
Epidermolysis bullosa simplex 5C, with pyloric atresia (EBS5C). Also called: PLEC-Related Epidermolysis Bullosa with Pyloric Atresia; Epidermolysis bullosa simplex with pyloric atresia; PLEC1-Related Epidermolysis Bullosa with Pyloric Atresia. Identifiers: Orphanet 158684, MedGen C2677349, MONDO:0012807, OMIM 612138.

Submission:

Labcorp Genetics (formerly Invitae), Labcorp
Classification: Pathogenic for Autosomal recessive limb-girdle muscular dystrophy type 2Q; Epidermolysis bullosa simplex, Ogna type; Epidermolysis bullosa simplex with nail dystrophy; Epidermolysis bullosa simplex 5C, with pyloric atresia; Epidermolysis bullosa simplex 5B, with muscular dystrophy. Last evaluated: 2025-04-14. Review status: criteria provided, single submitter. Criteria: Invitae Variant Classification Sherloc (09022015). Collection method: clinical testing. Allele origin: germline.
Comment: This sequence change creates a premature translational stop signal (p.Arg717Hisfs*56) in the PLEC gene. It is expected to result in an absent or disrupted protein product. Loss-of-function variants in PLEC are known to be pathogenic (PMID: 20301336, 20447487, 21109228, 23289980, 28824526). This variant is not present in population databases (gnomAD no frequency). This variant has not been reported in the literature in individuals affected with PLEC-related conditions. For these reasons, this variant has been classified as Pathogenic.

Literature cited by the submitters: PubMed 20301336; PubMed 20447487; PubMed 21109228; PubMed 23289980; PubMed 28824526.